The following is an entry in ClinVar:

ClinVar aggregate classification (germline): Uncertain significance (1 of 4 stars; one submission).

Conditions:
Congenital myasthenic syndrome 8. Also called: MYASTHENIC SYNDROME, CONGENITAL, DUE TO AGRIN DEFICIENCY; Myasthenic syndrome, congenital, 8, with pre- and postsynaptic defects. Identifiers: Orphanet 590, MedGen C3808739, MONDO:0014052, OMIM 615120.

Submission:

Labcorp Genetics (formerly Invitae), Labcorp
Classification: Uncertain significance for Congenital myasthenic syndrome 8. Last evaluated: 2021-11-30. Review status: criteria provided, single submitter. Criteria: Invitae Variant Classification Sherloc (09022015). Collection method: clinical testing. Allele origin: germline.
Comment: Algorithms developed to predict the effect of sequence changes on RNA splicing suggest that this variant may create or strengthen a splice site. In summary, the available evidence is currently insufficient to determine the role of this variant in disease. Therefore, it has been classified as a Variant of Uncertain Significance. Algorithms developed to predict the effect of missense changes on protein structure and function are either unavailable or do not agree on the potential impact of this missense change (SIFT: "Tolerated"; PolyPhen-2: "Possibly Damaging"; Align-GVGD: "Class C0"). This variant has not been reported in the literature in individuals affected with AGRN-related conditions. This variant is not present in population databases (gnomAD no frequency). This sequence change replaces histidine, which is basic and polar, with glutamine, which is neutral and polar, at codon 581 of the AGRN protein (p.His581Gln).

NM_198576.4(AGRN):c.1743C>G (p.His581Gln)

Gene: AGRN (agrin; plus strand). Cytogenetic location: 1p36.33.
Variant type: single nucleotide variant.
Coding change: c.1743C>G on transcript NM_198576.4 (MANE Select); coding-DNA position 1743, C replaced by G.
Protein change: p.His581Gln; replaces histidine 581 with glutamine.
Molecular consequence: missense variant.
Genome position (GRCh38, 1-based): chr1:1,043,677, C>G. VCF-style: chr1-1043677-C-G. GRCh37 (hg19) VCF-style: chr1-979057-C-G.
Other names: c.1743C>G, p.His581Gln (NM_001305275.2); c.1428C>G, p.His476Gln (NM_001364727.2); short protein forms H476Q, H581Q.
Identifiers: ClinVar variation 1450708 (VCV001450708.4), dbSNP rs201239522, ClinGen allele CA337833827.
Genomic context (GRCh38, chr1:1,043,677, plus strand): 5'-TTTGGCCCAGCCCGTGTGTGGCTCCGACGGGCACACGTACCCCAGCGAGTGCATGCTGCA[C>G]GTGCACGCCTGCACACACCAGATCAGCCTGCACGTGGCCTCAGCTGGACCCTGTGGTGAG-3'
Protein context (NP_940978.2, residues 571-591): GHTYPSECML[His581Gln]VHACTHQISL